The following is an entry in ClinVar:

NM_000352.6(ABCC8):c.1512C>T (p.Arg504=)

Gene: ABCC8 (ATP binding cassette subfamily C member 8; minus strand). Cytogenetic location: 11p15.1.
Variant type: single nucleotide variant.
Coding change: c.1512C>T on transcript NM_000352.6 (MANE Select); coding-DNA position 1512, C replaced by T.
Protein change: p.Arg504=; no amino-acid change (arginine 504 retained).
Molecular consequence: synonymous variant. On other transcripts: non-coding transcript variant (1).
Genome position (GRCh38, 1-based): chr11:17,442,838, G>A on the plus strand (C>T on the coding strand, the complement: ABCC8 is on the minus strand). VCF-style: chr11-17442838-G-A. GRCh37 (hg19) VCF-style: chr11-17464385-G-A.
Other names: c.1512C>T, p.Arg504= (NM_001287174.3, NM_001351295.2); c.1509C>T, p.Arg503= (NM_001351296.2, NM_001351297.2).
Identifiers: ClinVar variation 763333 (VCV000763333.16), dbSNP rs148811815, ClinGen allele CA5903543.

ClinVar aggregate classification (germline): Conflicting classifications of pathogenicity. Review status: criteria provided, conflicting classifications (1 of 4 stars). 5 submissions from 4 submitters: Uncertain significance (2); Likely benign (2). 1 of the submissions does not count toward it. Last evaluated 2024-02-03.

Conditions:
Hereditary hyperinsulinism.
Maturity-onset diabetes of the young (MODY). Also called: Maturity onset diabetes mellitus in young. Identifiers: Orphanet 552, MedGen C0342276, MONDO:0018911, HP:0004904.
Transitory neonatal diabetes mellitus. Also called: Transient neonatal diabetes mellitus. Identifiers: MedGen C0342273, MONDO:0020525, HP:0008255.

Allele frequency attached by ClinVar (database versions not stated): gnomAD 0.00001; TOPMed 0.00001; gnomAD exomes 0.00003 and 0.00005; ExAC 0.00005; ESP Exome Variant Server 0.00008.
gnomAD v4.1: 79 of 1,613,920 alleles (0.0049%); highest among the groups gnomAD compares: Non-Finnish European, 0.0058%; no homozygotes.

Submissions (5):

Labcorp Genetics (formerly Invitae), Labcorp
Classification: Likely benign. Last evaluated: 2024-02-03. Review status: criteria provided, single submitter. Criteria: Invitae Variant Classification Sherloc (09022015). Collection method: clinical testing. Allele origin: germline.

Genetic Services Laboratory, University of Chicago
Classification: Likely benign. Last evaluated: 2021-02-01. Review status: criteria provided, single submitter. Criteria: ACMG Guidelines, 2015. Collection method: clinical testing. Allele origin: germline. Affected: no.

Clinical Genomics, Uppaluri K&H Personalized Medicine Clinic
Classification: Uncertain significance for Transitory neonatal diabetes mellitus. Review status: criteria provided, single submitter. Criteria: K & H Uppaluri Personalized Medicine Clinic Variant Classification & Assertion Criteria_Updated V.1. Collection method: research. Allele origin: unknown. Inheritance: Somatic mutation.
Comment: Mutations in ABCC8 gene are associated with both neonatal diabetes mellitus as well as MODY. Patients with this mutation may have a better response to sulfonylureas. However, no sufficient evidence is found to ascertain the role of this particular variant (rs148811815) in neonatal diabetes yet.

Clinical Genomics, Uppaluri K&H Personalized Medicine Clinic
Classification: Uncertain significance for Maturity-onset diabetes of the young. Review status: criteria provided, single submitter. Criteria: K & H Uppaluri Personalized Medicine Clinic Variant Classification & Assertion Criteria_Updated V.1. Collection method: research. Allele origin: unknown. Inheritance: Somatic mutation.
Comment: Mutations in ABCC8 gene are associated with both neonatal diabetes mellitus as well as MODY. Patients with this mutation may have a better response to sulfonylureas. However, no sufficient evidence is found to ascertain the role of this particular variant (rs148811815) in MODY yet.

Natera, Inc.
Classification: Uncertain significance for Hereditary hyperinsulinism. Last evaluated: 2020-04-10. Review status: no assertion criteria provided. Collection method: clinical testing. Allele origin: germline. Not counted in ClinVar's aggregate classification.

Literature cited by the submitters: PubMed 16885549 (cited by Clinical Genomics, Uppaluri K&H Personalized Medicine Clinic); PubMed 21989597 (cited by Clinical Genomics, Uppaluri K&H Personalized Medicine Clinic); PubMed 27538677 (cited by Clinical Genomics, Uppaluri K&H Personalized Medicine Clinic); PubMed 18981553 (cited by Clinical Genomics, Uppaluri K&H Personalized Medicine Clinic); PubMed 32027066 (cited by Clinical Genomics, Uppaluri K&H Personalized Medicine Clinic); PubMed 16613899 (cited by Clinical Genomics, Uppaluri K&H Personalized Medicine Clinic); PubMed 18025408 (cited by Clinical Genomics, Uppaluri K&H Personalized Medicine Clinic); PubMed 32792356 (cited by Clinical Genomics, Uppaluri K&H Personalized Medicine Clinic).